The following is an entry in ClinVar:

ClinVar aggregate classification (germline): Uncertain significance (1 of 4 stars; one submission).

Conditions:
DICER1-related tumor predisposition. Also called: DICER1 syndrome; DICER1-related pleuropulmonary blastoma cancer predisposition syndrome. Identifiers: Orphanet 284343, MedGen C3839822, MONDO:0100216.

Submission:

Labcorp Genetics (formerly Invitae), Labcorp
Classification: Uncertain significance for DICER1-related tumor predisposition. Last evaluated: 2023-07-29. Review status: criteria provided, single submitter. Criteria: Invitae Variant Classification Sherloc (09022015). Collection method: clinical testing. Allele origin: germline.
Comment: This sequence change replaces aspartic acid, which is acidic and polar, with glutamic acid, which is acidic and polar, at codon 262 of the DICER1 protein (p.Asp262Glu). This variant is not present in population databases (gnomAD no frequency). This variant has not been reported in the literature in individuals affected with DICER1-related conditions. Advanced modeling of protein sequence and biophysical properties (such as structural, functional, and spatial information, amino acid conservation, physicochemical variation, residue mobility, and thermodynamic stability) performed at Invitae indicates that this missense variant is not expected to disrupt DICER1 protein function. In summary, the available evidence is currently insufficient to determine the role of this variant in disease. Therefore, it has been classified as a Variant of Uncertain Significance.

NM_177438.3(DICER1):c.786C>G (p.Asp262Glu)

Gene: DICER1 (dicer 1, ribonuclease III; minus strand). Cytogenetic location: 14q32.13.
Variant type: single nucleotide variant.
Coding change: c.786C>G on transcript NM_177438.3 (MANE Select); coding-DNA position 786, C replaced by G.
Protein change: p.Asp262Glu; replaces aspartic acid 262 with glutamic acid.
Molecular consequence: missense variant. On other transcripts: 5 prime UTR variant (1), non-coding transcript variant (6).
Genome position (GRCh38, 1-based): chr14:95,126,697, G>C on the plus strand (C>G on the coding strand, the complement: DICER1 is on the minus strand). VCF-style: chr14-95126697-G-C. GRCh37 (hg19) VCF-style: chr14-95593034-G-C.
Other names: c.786C>G, p.Asp262Glu (NM_001195573.1, NM_001271282.3, NM_001291628.2 and 15 more transcripts); c.504C>G, p.Asp168Glu (NM_001395686.1); c.381C>G, p.Asp127Glu (NM_001395687.1, NM_001395688.1, NM_001395689.1 and 3 more transcripts); c.219C>G, p.Asp73Glu (NM_001395691.1); c.-783C>G (NM_001395697.1); short protein forms D73E, D168E, D262E, D127E.
Identifiers: ClinVar variation 2748007 (VCV002748007.3), dbSNP rs2543230772, ClinGen allele CA390887780.